The following is an entry in ClinVar:

ClinVar aggregate classification (germline): Uncertain significance. Review status: criteria provided, multiple submitters, no conflicts (2 of 4 stars). 2 submissions from 2 submitters: Uncertain significance (2). Last evaluated 2024-10-17.

Conditions:
Inborn genetic diseases. Identifiers: MedGen C0950123, MeSH D030342.
Immunodeficiency 35 (IMD35). Also called: HIES WITH ATYPICAL MYCOBACTERIOSIS, AUTOSOMAL RECESSIVE; HYPER-IgE SYNDROME WITH ATYPICAL MYCOBACTERIOSIS, AUTOSOMAL RECESSIVE; Susceptibility to infection due to TYK2 deficiency; TYK2 DEFICIENCY. Identifiers: Orphanet 331226, MedGen C1969086, MONDO:0012682, OMIM 611521.

Allele frequency attached by ClinVar (database versions not stated): gnomAD 0.00001; TOPMed 0.00001.
gnomAD v4.1: 33 of 1,613,982 alleles (0.002%); highest among the groups gnomAD compares: East Asian, 0.013%; no homozygotes.

Submissions (2):

Labcorp Genetics (formerly Invitae), Labcorp
Classification: Uncertain significance for Immunodeficiency 35. Last evaluated: 2024-10-17. Review status: criteria provided, single submitter. Criteria: Invitae Variant Classification Sherloc (09022015). Collection method: clinical testing. Allele origin: germline.
Comment: This sequence change replaces arginine, which is basic and polar, with tryptophan, which is neutral and slightly polar, at codon 527 of the TYK2 protein (p.Arg527Trp). This variant is present in population databases (rs777266572, gnomAD 0.03%). This variant has not been reported in the literature in individuals affected with TYK2-related conditions. ClinVar contains an entry for this variant (Variation ID: 1014649). Invitae Evidence Modeling of protein sequence and biophysical properties (such as structural, functional, and spatial information, amino acid conservation, physicochemical variation, residue mobility, and thermodynamic stability) indicates that this missense variant is not expected to disrupt TYK2 protein function with a negative predictive value of 80%. In summary, the available evidence is currently insufficient to determine the role of this variant in disease. Therefore, it has been classified as a Variant of Uncertain Significance.

Ambry Genetics
Classification: Uncertain significance for Inborn genetic diseases. Last evaluated: 2024-01-02. Review status: criteria provided, single submitter. Criteria: Ambry Variant Classification Scheme 2023. Collection method: clinical testing. Allele origin: germline.

NM_003331.5(TYK2):c.1579C>T (p.Arg527Trp)

Gene: TYK2 (tyrosine kinase 2; minus strand). Cytogenetic location: 19p13.2.
Variant type: single nucleotide variant.
Coding change: c.1579C>T on transcript NM_003331.5 (MANE Select); coding-DNA position 1579, C replaced by T.
Protein change: p.Arg527Trp; replaces arginine 527 with tryptophan.
Molecular consequence: missense variant. On other transcripts: intron variant (1).
Genome position (GRCh38, 1-based): chr19:10,362,354, G>A on the plus strand (C>T on the coding strand, the complement: TYK2 is on the minus strand). VCF-style: chr19-10362354-G-A. GRCh37 (hg19) VCF-style: chr19-10473030-G-A.
Other names: c.1579C>T (NM_003331.4); c.1579C>T, p.Arg527Trp (NM_001385197.1, NM_001385198.1, NM_001385199.1 and 5 more transcripts); c.1381C>T, p.Arg461Trp (NM_001385201.1); c.1489C>T, p.Arg497Trp (NM_001385205.1); c.1477-24C>T (NM_001385206.1); short protein forms R461W, R497W, R527W.
Identifiers: ClinVar variation 1014649 (VCV001014649.9), dbSNP rs777266572, ClinGen allele CA9193378.